The following is an entry in ClinVar:

ClinVar aggregate classification (germline): Uncertain significance. Review status: criteria provided, multiple submitters, no conflicts (2 of 4 stars). 2 submissions from 2 submitters: Uncertain significance (2). Last evaluated 2025-12-11.

Conditions:
Retinitis pigmentosa 12 (RP12). Also called: RP WITH OR WITHOUT PPRPE; RP WITH OR WITHOUT PRESERVED PARAARTERIOLE RETINAL PIGMENT EPITHELIUM; RETINITIS PIGMENTOSA WITH OR WITHOUT PARAARTERIOLAR PRESERVATION OF RETINAL PIGMENT EPITHELIUM. Identifiers: Orphanet 791, MedGen C1838647, MONDO:0010818, OMIM 600105.
Leber congenital amaurosis 8 (LCA8). Identifiers: Orphanet 65, MedGen C3151202, MONDO:0013453, OMIM 613835.

Allele frequency attached by ClinVar (database versions not stated): ExAC 0.00003; gnomAD 0.00009; TOPMed 0.00012.
gnomAD v4.1: 34 of 1,613,786 alleles (0.0021%); highest among the groups gnomAD compares: African/African-American, 0.029%; no homozygotes.

Submissions (2):

Labcorp Genetics (formerly Invitae), Labcorp
Classification: Uncertain significance for Leber congenital amaurosis 8; Retinitis pigmentosa 12. Last evaluated: 2025-12-11. Review status: criteria provided, single submitter. Criteria: Invitae Variant Classification Sherloc (09022015). Collection method: clinical testing. Allele origin: germline.
Comment: This sequence change replaces glutamic acid, which is acidic and polar, with aspartic acid, which is acidic and polar, at codon 995 of the CRB1 protein (p.Glu995Asp). This variant is present in population databases (rs747788050, gnomAD 0.02%). This variant has not been reported in the literature in individuals affected with CRB1-related conditions. ClinVar contains an entry for this variant (Variation ID: 2069506). Invitae Evidence Modeling of protein sequence and biophysical properties (such as structural, functional, and spatial information, amino acid conservation, physicochemical variation, residue mobility, and thermodynamic stability) has been performed for this missense variant. However, the output from this modeling did not meet the statistical confidence thresholds required to predict the impact of this variant on CRB1 protein function. In summary, the available evidence is currently insufficient to determine the role of this variant in disease. Therefore, it has been classified as a Variant of Uncertain Significance.

Blueprint Genetics
Classification: Uncertain significance. Last evaluated: 2023-09-14. Review status: criteria provided, single submitter. Criteria: ACMG Guidelines, 2015. Collection method: clinical testing. Allele origin: germline.

NM_201253.3(CRB1):c.2985G>T (p.Glu995Asp)

Gene: CRB1 (crumbs cell polarity complex component 1; plus strand). Cytogenetic location: 1q31.3.
Variant type: single nucleotide variant.
Coding change: c.2985G>T on transcript NM_201253.3 (MANE Select); coding-DNA position 2985, G replaced by T.
Protein change: p.Glu995Asp; replaces glutamic acid 995 with aspartic acid.
Molecular consequence: missense variant. On other transcripts: non-coding transcript variant (2), intron variant (1).
Genome position (GRCh38, 1-based): chr1:197,434,848, G>T. VCF-style: chr1-197434848-G-T. GRCh37 (hg19) VCF-style: chr1-197403978-G-T.
Other names: c.2649G>T, p.Glu883Asp (NM_001193640.2); c.2913G>T, p.Glu971Asp (NM_001257965.2); c.2129-752G>T (NM_001257966.2); short protein forms E995D, E883D, E971D.
Identifiers: ClinVar variation 2069506 (VCV002069506.4), dbSNP rs747788050, ClinGen allele CA1312258.